The following is an entry in ClinVar:

NM_000219.6(KCNE1):c.65A>T (p.Gln22Leu)

Gene: KCNE1 (potassium voltage-gated channel subfamily E regulatory subunit 1; minus strand). Cytogenetic location: 21q22.12.
Variant type: single nucleotide variant.
Coding change: c.65A>T on transcript NM_000219.6 (MANE Select); coding-DNA position 65, A replaced by T.
Protein change: p.Gln22Leu; replaces glutamine 22 with leucine.
Molecular consequence: missense variant.
Genome position (GRCh38, 1-based): chr21:34,449,570, T>A on the plus strand (A>T on the coding strand, the complement: KCNE1 is on the minus strand). VCF-style: chr21-34449570-T-A. GRCh37 (hg19) VCF-style: chr21-35821868-T-A.
Other names: c.65A>T, p.Gln22Leu (NM_001127668.4, NM_001127669.4, NM_001127670.4 and 4 more transcripts); short protein forms Q22L.
Identifiers: ClinVar variation 3373953 (VCV003373953.2).
Genomic context (GRCh38, chr21:34,449,570, plus strand): 5'-AGCTTGCCGTCACTGCTGCGGGGGGACCTGCGGGCCAGGCCCGACATGTTGCCACCCTGC[T>A]GAACTGTCTCCTGCCACAGCTTGGTCAGAAAGGGCGTCACCGCTGTGGTGTTAGACAGGA-3'
Protein context (NP_000210.2, residues 12-32): FLTKLWQETV[Gln22Leu]QGGNMSGLAR

Conditions:
Long QT syndrome 5 (LQT5). Identifiers: Orphanet 101016, Orphanet 768, MedGen C1867904, MONDO:0013372, OMIM 613695.

Submission:

Roden Lab, Vanderbilt University Medical Center
No classification provided (evidence only). Condition: Long QT syndrome 5. Review status: no classification provided. Collection method: in vitro. Allele origin: not applicable. Functional consequence: Effect on ion channel function.
ClinVar note: "not provided" was previously submitted as the classification for the variant. However, the classification appeared to be based only on an observation of functional data so it was converted to no classification on 2025-07-30.